The following is an entry in ClinVar:

NM_005876.5(SPEG):c.5746G>T (p.Gly1916Trp)

Genes: ASIC4-AS1 (ASIC4 antisense RNA 1; minus strand), SPEG (striated muscle enriched protein kinase; plus strand). Cytogenetic location: 2q35.
Variant type: single nucleotide variant.
Coding change: c.5746G>T on transcript NM_005876.5 (MANE Select); coding-DNA position 5746, G replaced by T.
Protein change: p.Gly1916Trp; replaces glycine 1916 with tryptophan.
Molecular consequence: missense variant.
Genome position (GRCh38, 1-based): chr2:219,483,209, G>T. VCF-style: chr2-219483209-G-T. GRCh37 (hg19) VCF-style: chr2-220347931-G-T.
Other names: short protein forms G1916W.
Identifiers: ClinVar variation 1921650 (VCV001921650.6), dbSNP rs746732641, ClinGen allele CA350693313.

ClinVar aggregate classification (germline): Uncertain significance. Review status: criteria provided, multiple submitters, no conflicts (2 of 4 stars). 2 submissions from 2 submitters: Uncertain significance (2). Last evaluated 2022-04-26.

gnomAD v4.1: 5 of 1,609,898 alleles (0.00031%); highest among the groups gnomAD compares: Non-Finnish European, 0.00017%; no homozygotes.

Submissions (2):

Labcorp Genetics (formerly Invitae), Labcorp
Classification: Uncertain significance. Last evaluated: 2022-04-26. Review status: criteria provided, single submitter. Criteria: Invitae Variant Classification Sherloc (09022015). Collection method: clinical testing. Allele origin: germline.
Comment: In summary, the available evidence is currently insufficient to determine the role of this variant in disease. Therefore, it has been classified as a Variant of Uncertain Significance. Algorithms developed to predict the effect of missense changes on protein structure and function are either unavailable or do not agree on the potential impact of this missense change (SIFT: "Deleterious"; PolyPhen-2: "Probably Damaging"; Align-GVGD: "Class C15"). This variant has not been reported in the literature in individuals affected with SPEG-related conditions. The frequency data for this variant in the population databases is considered unreliable, as metrics indicate poor data quality at this position in the gnomAD database. This sequence change replaces glycine, which is neutral and non-polar, with tryptophan, which is neutral and slightly polar, at codon 1916 of the SPEG protein (p.Gly1916Trp).

Blueprint Genetics
Classification: Uncertain significance. Last evaluated: 2019-09-10. Review status: criteria provided, single submitter. Criteria: ACMG Guidelines, 2015. Collection method: clinical testing. Allele origin: germline.